The following is an entry in ClinVar:

NM_000169.3(GLA):c.996_999del (p.Gln333fs)

Genes: GLA (galactosidase alpha; minus strand), RPL36A-HNRNPH2 (RPL36A-HNRNPH2 readthrough; plus strand). Cytogenetic location: Xq22.1.
Variant type: Deletion.
Coding change: c.996_999del on transcript NM_000169.3 (MANE Select); coding-DNA positions 996 to 999, 4 bases deleted (ACAG; older notation c.996_999delACAG).
Protein change: p.Gln333fs; shifts the reading frame from glutamine 333.
Molecular consequence: frameshift variant. On other transcripts: non-coding transcript variant (3), intron variant (2).
Genome position (GRCh38, 1-based): chrX:101,398,370-101,398,373, CTGT deleted on the plus strand (ACAG on the coding strand, the reverse complement: GLA is on the minus strand); deleting any 4 consecutive bases within chrX:101,398,370-101,398,375 gives the same sequence; the c. name uses the placement nearest the transcript's 3' end. VCF-style (leftmost placement, unchanged base first): chrX-101398369-CCTGT-C. GRCh37 (hg19) VCF-style: chrX-100653357-CCTGT-C.
Other names: c.996_999delACAG (NM_000169.2); c.1119_1122del, p.Gln374fs (NM_001406747.1); c.996_999del, p.Arg332_Gln333insTer (NM_001406748.1); c.300+2915_300+2918del (NM_001199973.2); c.177+6550_177+6553del (NM_001199974.2); short protein forms Q333fs, Q374fs.
Identifiers: ClinVar variation 92575 (VCV000092575.18), dbSNP rs398123229, ClinGen allele CA022279.

ClinVar aggregate classification (germline): Pathogenic. Review status: criteria provided, multiple submitters, no conflicts (2 of 4 stars). 4 submissions from 4 submitters: Pathogenic (4). Last evaluated 2026-09-08.

Conditions:
Fabry disease. Also called: Fabry's disease; Angiokeratoma corporis diffusum; ALPHA-GALACTOSIDASE A DEFICIENCY; ANDERSON-FABRY DISEASE; CERAMIDE TRIHEXOSIDASE DEFICIENCY; Ceramide trihexosidosis. Identifiers: Orphanet 324, MedGen C0002986, MONDO:0010526, OMIM 301500, HP:0001071. Disease mechanism: loss of function, Fabry disease is due to inactivating mutations in the X-linked GLA gene resulting in deficiency of the enzyme Alpha Galactosidase-A..

Submissions (4):

Genomenon, Inc
Classification: Pathogenic for Fabry disease. Last evaluated: 2026-09-08. Review status: criteria provided, single submitter. Criteria: Genomenon Sequence Variant Interpretation Standards - Updated. Collection method: curation. Allele origin: germline. Affected: yes.
Comment: GLA p.Gln333GlufsTer14 (c.996_999del) is a frameshift variant that is predicted to introduce a premature termination codon and result in a truncated or absent protein product. This variant has been observed in at least one proband with clinical features consistent with Fabry disease (PMID:22551898;38002959;27560961;31996269;12175777). Functional or patient cell studies have been reported (PMID:27560961;31996269). It is absent or not present at a significant frequency in gnomAD. In conclusion, we classify GLA p.Gln333GlufsTer14 (c.996_999del) as a pathogenic variant.

Genome-Nilou Lab
Classification: Pathogenic for Fabry disease. Last evaluated: 2021-07-15. Review status: criteria provided, single submitter. Criteria: ACMG Guidelines, 2015. Collection method: clinical testing. Allele origin: germline. Affected: no.

Labcorp Genetics (formerly Invitae), Labcorp
Classification: Pathogenic for Fabry disease. Last evaluated: 2020-10-09. Review status: criteria provided, single submitter. Criteria: Invitae Variant Classification Sherloc (09022015). Collection method: clinical testing. Allele origin: germline.
Comment: This sequence change results in a premature translational stop signal in the GLA gene (p.Gln333Glufs*14). While this is not anticipated to result in nonsense mediated decay, it is expected to disrupt the last 97 amino acid(s) of the GLA protein. This variant is not present in population databases (ExAC no frequency). This variant has been observed in individual(s) with Fabry disease (PMID: 12175777, 27560961). ClinVar contains an entry for this variant (Variation ID: 92575). Algorithms developed to predict the effect of sequence changes on RNA splicing suggest that this variant may disrupt the consensus splice site, but this prediction has not been confirmed by published transcriptional studies. This variant disrupts the C-terminus of the GLA protein. Other variant(s) that disrupt this region (p.Arg342*) have been determined to be pathogenic (PMID: 8395937, 16595074, 19287194, 20505683, 23980562, 26297554). This suggests that variants that disrupt this region of the protein are likely to be causative of disease. For these reasons, this variant has been classified as Pathogenic.

Eurofins Ntd Llc (ga)
Classification: Pathogenic. Last evaluated: 2013-08-26. Review status: criteria provided, single submitter. Criteria: EGL Classification Definitions 2015. Collection method: clinical testing. Allele origin: germline.

Literature cited by the submitters: PubMed 22551898 (cited by Genomenon, Inc); PubMed 38002959 (cited by Genomenon, Inc); PubMed 27560961 (cited by Genomenon, Inc and Labcorp Genetics (formerly Invitae), Labcorp); PubMed 31996269 (cited by Genomenon, Inc); PubMed 12175777 (cited by Genomenon, Inc and Labcorp Genetics (formerly Invitae), Labcorp); PubMed 8395937 (cited by Labcorp Genetics (formerly Invitae), Labcorp); PubMed 16595074 (cited by Labcorp Genetics (formerly Invitae), Labcorp); PubMed 19287194 (cited by Labcorp Genetics (formerly Invitae), Labcorp); PubMed 20505683 (cited by Labcorp Genetics (formerly Invitae), Labcorp); PubMed 23980562 (cited by Labcorp Genetics (formerly Invitae), Labcorp); PubMed 26297554 (cited by Labcorp Genetics (formerly Invitae), Labcorp).